The following is an entry in ClinVar:

ClinVar aggregate classification (germline): Uncertain significance. Review status: criteria provided, multiple submitters, no conflicts (2 of 4 stars). 2 submissions from 2 submitters: Uncertain significance (2). Last evaluated 2023-09-08.

Conditions:
Bethlem myopathy 1A. Also called: MYOPATHY, BENIGN CONGENITAL, WITH CONTRACTURES; Bethlem myopathy 1; Bethlem Muscular Dystrophy. Identifiers: Orphanet 610, MedGen CN029274, MONDO:0024530, OMIM 158810.

Allele frequency attached by ClinVar (database versions not stated): gnomAD exomes below 0.00001.
gnomAD v4.1: 5 of 1,613,116 alleles (0.00031%); highest among the groups gnomAD compares: Non-Finnish European, 0.00034%; no homozygotes.

Submissions (2):

Labcorp Genetics (formerly Invitae), Labcorp
Classification: Uncertain significance for Bethlem myopathy 1A. Last evaluated: 2023-09-08. Review status: criteria provided, single submitter. Criteria: Invitae Variant Classification Sherloc (09022015). Collection method: clinical testing. Allele origin: germline.
Comment: ClinVar contains an entry for this variant (Variation ID: 450934). This variant has not been reported in the literature in individuals affected with COL6A2-related conditions. This variant is present in population databases (no rsID available, gnomAD 0.004%). This sequence change replaces serine, which is neutral and polar, with phenylalanine, which is neutral and non-polar, at codon 683 of the COL6A2 protein (p.Ser683Phe). Advanced modeling of protein sequence and biophysical properties (such as structural, functional, and spatial information, amino acid conservation, physicochemical variation, residue mobility, and thermodynamic stability) performed at Invitae indicates that this missense variant is expected to disrupt COL6A2 protein function. In summary, the available evidence is currently insufficient to determine the role of this variant in disease. Therefore, it has been classified as a Variant of Uncertain Significance.

GeneDx
Classification: Uncertain significance. Last evaluated: 2017-07-28. Review status: criteria provided, single submitter. Criteria: GeneDx Variant Classification (06012015). Collection method: clinical testing. Allele origin: germline. Affected: yes.
Comment: The S683F variant has not been published as a pathogenic variant, nor has it been reported as a benign variant to our knowledge. The S683F variant is not observed in large population cohorts (Lek et al., 2016; 1000 Genomes Consortium et al., 2015; Exome Variant Server). This variant is a non-conservative amino acid substitution, which is likely to impact secondary protein structure as these residues differ in polarity, charge, size and/or other properties. This substitution occurs at a position that is conserved across species, and in silico analysis predicts this variant is probably damaging to the protein structure/function. However, missense variants in nearby residues have not been reported in the Human Gene Mutation Database in association with COL6A2-related disorders (Stenson et al., 2014).

NM_001849.4(COL6A2):c.2048C>T (p.Ser683Phe)

Gene: COL6A2 (collagen type VI alpha 2 chain; plus strand). Cytogenetic location: 21q22.3.
Variant type: single nucleotide variant.
Coding change: c.2048C>T on transcript NM_001849.4 (MANE Select); coding-DNA position 2048, C replaced by T.
Protein change: p.Ser683Phe; replaces serine 683 with phenylalanine.
Molecular consequence: missense variant.
Genome position (GRCh38, 1-based): chr21:46,125,863, C>T. VCF-style: chr21-46125863-C-T. GRCh37 (hg19) VCF-style: chr21-47545777-C-T.
Other names: c.2048C>T, p.Ser683Phe (NM_058174.3, NM_058175.3); short protein forms S683F.
Identifiers: ClinVar variation 450934 (VCV000450934.5), dbSNP rs1258904789, ClinGen allele CA410541331.
Genomic context (GRCh38, chr21:46,125,863, plus strand): 5'-TGCAGTACAGCCACGAGGGCACCTTTGAGGCCATCCAGCTGGACGACGAACGTATCGACT[C>T]CCTGTCGAGCTTCAAGGAGGCTGTCAAGAACCTCGAGTGGATTGCGGGCGGCACCTGGAC-3'
Protein context (NP_001840.3, residues 673-693): AIQLDDERID[Ser683Phe]LSSFKEAVKN